The following is an entry in ClinVar:

ClinVar aggregate classification (germline): Uncertain significance. Review status: criteria provided, single submitter (1 of 4 stars). 2 submissions from 2 submitters: Uncertain significance (1). 1 of the submissions does not count toward it. Last evaluated 2025-03-31.

Conditions:
Inborn genetic diseases. Identifiers: MedGen C0950123, MeSH D030342.
Dyskeratosis congenita. Identifiers: Orphanet 1775, MedGen C0265965, MONDO:0015780.

Submissions (2):

Ambry Genetics
Classification: Uncertain significance for Inborn genetic diseases. Last evaluated: 2025-03-31. Review status: criteria provided, single submitter. Criteria: Ambry Variant Classification Scheme 2023. Collection method: clinical testing. Allele origin: germline.
Comment: The p.C711R variant (also known as c.2131T>C), located in coding exon 23 of the RTEL1 gene, results from a T to C substitution at nucleotide position 2131. The cysteine at codon 711 is replaced by arginine, an amino acid with highly dissimilar properties. This amino acid position is conserved. In addition, this alteration is predicted to be deleterious by in silico analysis. Based on the available evidence, the clinical significance of this variant remains unclear.

Natera, Inc.
Classification: Uncertain significance for Dyskeratosis congenita. Last evaluated: 2025-04-11. Review status: no assertion criteria provided. Collection method: clinical testing. Allele origin: germline. Not counted in ClinVar's aggregate classification.

NM_001283009.2(RTEL1):c.2131T>C (p.Cys711Arg)

Genes: RTEL1 (regulator of telomere elongation helicase 1; plus strand), RTEL1-TNFRSF6B (RTEL1-TNFRSF6B readthrough (NMD candidate); plus strand). Cytogenetic location: 20q13.33.
Variant type: single nucleotide variant.
Coding change: c.2131T>C on transcript NM_001283009.2 (MANE Select); coding-DNA position 2131, T replaced by C.
Protein change: p.Cys711Arg; replaces cysteine 711 with arginine.
Molecular consequence: missense variant. On other transcripts: non-coding transcript variant (1).
Genome position (GRCh38, 1-based): chr20:63,689,855, T>C. VCF-style: chr20-63689855-T-C. GRCh37 (hg19) VCF-style: chr20-62321208-T-C.
Other names: c.1462T>C, p.Cys488Arg (NM_001283010.1); c.2131T>C, p.Cys711Arg (NM_016434.4); c.2203T>C, p.Cys735Arg (NM_032957.5); c.2203T>C (NM_032957.4); short protein forms C488R, C711R, C735R.
Identifiers: ClinVar variation 3948281 (VCV003948281.2).